The following is an entry in ClinVar:

ClinVar aggregate classification (germline): Benign/Likely benign. Review status: criteria provided, multiple submitters, no conflicts (2 of 4 stars). 7 submissions from 7 submitters: Benign (1); Likely benign (6). Last evaluated 2026-05-06.

Conditions:
MYL3-related disorder. Also called: MYL3-related condition.
Hypertrophic cardiomyopathy. Also called: HYPERTROPHIC MYOCARDIOPATHY. Identifiers: Orphanet 217569, MedGen C0007194, MeSH D002312, MONDO:0005045, HP:0001639.
Cardiomyopathy (CMYO). Also called: Cardiomyopathies. Identifiers: Orphanet 167848, MedGen C0878544, MONDO:0004994, HP:0001638. Inheritance: Various modes of inheritance.
Cardiovascular phenotype. Identifiers: MedGen CN230736.

Allele frequency attached by ClinVar (database versions not stated): gnomAD 0.00001; TOPMed 0.00001; ExAC 0.00003; gnomAD exomes 0.00003 and 0.00004.
gnomAD v4.1: 51 of 1,614,096 alleles (0.0032%); highest among the groups gnomAD compares: South Asian, 0.052%; no homozygotes.

Submissions (7):

PreventionGenetics, part of Exact Sciences
Classification: Likely benign for MYL3-related condition. Last evaluated: 2026-05-06. Review status: criteria provided, single submitter. Criteria: ACMG Guidelines, 2015. Collection method: clinical testing. Allele origin: germline.
Comment: This variant is classified as likely benign based on ACMG/AMP sequence variant interpretation guidelines (Richards et al. 2015 PMID: 25741868, with internal and published modifications).

Labcorp Genetics (formerly Invitae), Labcorp
Classification: Likely benign for Hypertrophic cardiomyopathy. Last evaluated: 2026-01-14. Review status: criteria provided, single submitter. Criteria: Invitae Variant Classification Sherloc (09022015). Collection method: clinical testing. Allele origin: germline.

Ambry Genetics
Classification: Likely benign for Cardiovascular phenotype. Last evaluated: 2024-03-29. Review status: criteria provided, single submitter. Criteria: Ambry Variant Classification Scheme 2023. Collection method: clinical testing. Allele origin: germline.

All of Us Research Program, National Institutes of Health
Classification: Likely benign for Hypertrophic cardiomyopathy. Last evaluated: 2023-12-18. Review status: criteria provided, single submitter. Criteria: ACMG Guidelines, 2015. Collection method: clinical testing. Allele origin: germline. Inheritance: Autosomal dominant inheritance. Observed: 1 variant allele, 1 heterozygote.
Comment: This study involves interpretation of variants in research participants for the purpose of population health screening. Participant phenotype was not available at the time of variant classification. Additional details can be found in publication PMID: 35346344, PMCID: PMC8962531

Color Diagnostics, LLC DBA Color Health
Classification: Likely benign for Cardiomyopathy. Last evaluated: 2023-12-12. Review status: criteria provided, single submitter. Criteria: ACMG Guidelines, 2015. Collection method: clinical testing. Allele origin: germline.

Blueprint Genetics
Classification: Likely benign. Last evaluated: 2022-07-12. Review status: criteria provided, single submitter. Criteria: ACMG Guidelines, 2015. Collection method: clinical testing. Allele origin: germline.

GeneDx
Classification: Benign. Last evaluated: 2017-03-29. Review status: criteria provided, single submitter. Criteria: GeneDx Variant Classification (06012015). Collection method: clinical testing. Allele origin: germline. Affected: yes.
Comment: This variant is considered likely benign or benign based on one or more of the following criteria: it is a conservative change, it occurs at a poorly conserved position in the protein, it is predicted to be benign by multiple in silico algorithms, and/or has population frequency not consistent with disease.

NM_000258.3(MYL3):c.381A>C (p.Thr127=)

Gene: MYL3 (myosin light chain 3; minus strand). Cytogenetic location: 3p21.31.
Variant type: single nucleotide variant.
Coding change: c.381A>C on transcript NM_000258.3 (MANE Select); coding-DNA position 381, A replaced by C.
Protein change: p.Thr127=; no amino-acid change (threonine 127 retained).
Molecular consequence: synonymous variant.
Genome position (GRCh38, 1-based): chr3:46,859,575, T>G on the plus strand (A>C on the coding strand, the complement: MYL3 is on the minus strand). VCF-style: chr3-46859575-T-G. GRCh37 (hg19) VCF-style: chr3-46901065-T-G.
Identifiers: ClinVar variation 516361 (VCV000516361.14), dbSNP rs758267230, ClinGen allele CA043964.